The following is an entry in ClinVar:

ClinVar aggregate classification (germline): Pathogenic (1 of 4 stars; one submission).

Conditions:
Glaucoma 1, open angle, E. Identifiers: MedGen C1842026, MONDO:0007665.
Amyotrophic lateral sclerosis type 12 (ALS12). Also called: AMYOTROPHIC LATERAL SCLEROSIS 12 WITH OR WITHOUT FRONTOTEMPORAL DEMENTIA. Identifiers: Orphanet 803, MedGen C3150692, MONDO:0013264, OMIM 613435.
Primary open angle glaucoma (POAG). Also called: OPTN-related open angle glaucoma. Identifiers: MedGen C0339573, MONDO:0100553, OMIM 137760.

Submission:

Labcorp Genetics (formerly Invitae), Labcorp
Classification: Pathogenic for Primary open angle glaucoma; Glaucoma 1, open angle, E; Amyotrophic lateral sclerosis type 12. Last evaluated: 2024-07-02. Review status: criteria provided, single submitter. Criteria: Invitae Variant Classification Sherloc (09022015). Collection method: clinical testing. Allele origin: germline.
Comment: This sequence change creates a premature translational stop signal (p.Lys429Asnfs*19) in the OPTN gene. It is expected to result in an absent or disrupted protein product. Loss-of-function variants in OPTN are known to be pathogenic (PMID: 20428114). This variant is not present in population databases (gnomAD no frequency). This variant has not been reported in the literature in individuals affected with OPTN-related conditions. For these reasons, this variant has been classified as Pathogenic.

Literature cited by the submitters: PubMed 20428114.

NM_001008212.2(OPTN):c.1287del (p.Lys429fs)

Gene: OPTN (optineurin; plus strand). Cytogenetic location: 10p13.
Variant type: Deletion.
Coding change: c.1287del on transcript NM_001008212.2 (MANE Select); coding-DNA position 1287, one base deleted (A; older notation c.1287delA).
Protein change: p.Lys429fs; shifts the reading frame from lysine 429.
Molecular consequence: frameshift variant.
Genome position (GRCh38, 1-based): chr10:13,127,789, A deleted; the last of 5 consecutive A bases (chr10:13,127,785-13,127,789); deleting any one gives the same sequence. VCF-style (leftmost placement, unchanged base first): chr10-13127784-GA-G. GRCh37 (hg19) VCF-style: chr10-13169784-GA-G.
Other names: c.1287del, p.Lys429fs (NM_001008211.1, NM_001008213.1, NM_021980.4); short protein forms K429fs.
Identifiers: ClinVar variation 3757114 (VCV003757114.2).